The following is an entry in ClinVar:

NM_201548.5(CERKL):c.799C>A (p.Pro267Thr)

Gene: CERKL (ceramide kinase like; minus strand). Cytogenetic location: 2q31.3.
Variant type: single nucleotide variant.
Coding change: c.799C>A on transcript NM_201548.5 (MANE Select); coding-DNA position 799, C replaced by A.
Protein change: p.Pro267Thr; replaces proline 267 with threonine.
Molecular consequence: missense variant. On other transcripts: non-coding transcript variant (2), intron variant (2).
Genome position (GRCh38, 1-based): chr2:181,558,587, G>T on the plus strand (C>A on the coding strand, the complement: CERKL is on the minus strand). VCF-style: chr2-181558587-G-T. GRCh37 (hg19) VCF-style: chr2-182423314-G-T.
Other names: c.877C>A, p.Pro293Thr (NM_001030311.3); c.745C>A, p.Pro249Thr (NM_001160277.2); c.482-8879C>A (NM_001030312.3); c.614-8879C>A (NM_001030313.3); c.877C>A (NM_001030311.2); short protein forms P293T, P267T, P249T.
Identifiers: ClinVar variation 1040875 (VCV001040875.6), dbSNP rs1273663676, ClinGen allele CA349740140.
Genomic context (GRCh38, chr2:181,558,587, plus strand): 5'-AGAAGGGTCAGTTTAATGAATCTGTAGCCACTCCCTTGCCTGCTGGTATTAAGCCAAGTG[G>T]AAGCTGTGCTCTGACAGGAGTCAGGATTCGGTCTGTTTCCATCCCAGCATTCTTCTGAGC-3'
Protein context (NP_963842.1, residues 257-277): RILTPVRAQL[Pro267Thr]LGLIPAGSTN

ClinVar aggregate classification (germline): Uncertain significance. Review status: criteria provided, multiple submitters, no conflicts (2 of 4 stars). 2 submissions from 2 submitters: Uncertain significance (2). Last evaluated 2024-03-18.

Conditions:
Inborn genetic diseases. Identifiers: MedGen C0950123, MeSH D030342.

Allele frequency attached by ClinVar (database versions not stated): gnomAD exomes below 0.00001; gnomAD 0.00001; TOPMed 0.00001.
gnomAD v4.1: 3 of 1,613,496 alleles (0.00019%); highest among the groups gnomAD compares: Non-Finnish European, 0.00025%; no homozygotes.

Submissions (2):

Ambry Genetics
Classification: Uncertain significance for Inborn genetic diseases. Last evaluated: 2024-03-18. Review status: criteria provided, single submitter. Criteria: Ambry Variant Classification Scheme 2023. Collection method: clinical testing. Allele origin: germline.

Labcorp Genetics (formerly Invitae), Labcorp
Classification: Uncertain significance. Last evaluated: 2021-08-24. Review status: criteria provided, single submitter. Criteria: Invitae Variant Classification Sherloc (09022015). Collection method: clinical testing. Allele origin: germline.
Comment: This sequence change replaces proline with threonine at codon 293 of the CERKL protein (p.Pro293Thr). The proline residue is moderately conserved and there is a small physicochemical difference between proline and threonine. This variant is not present in population databases (ExAC no frequency). This variant has not been reported in the literature in individuals affected with CERKL-related conditions. Algorithms developed to predict the effect of missense changes on protein structure and function are either unavailable or do not agree on the potential impact of this missense change (SIFT: "Tolerated"; PolyPhen-2: "Probably Damaging"; Align-GVGD: "Class C0"). In summary, the available evidence is currently insufficient to determine the role of this variant in disease. Therefore, it has been classified as a Variant of Uncertain Significance.